The following is an entry in ClinVar:

NM_032830.3(UTP4):c.851A>G (p.Gln284Arg)

Gene: UTP4 (UTP4 small subunit processome component). Cytogenetic location: 16q22.1.
Variant type: single nucleotide variant.
Coding change: c.851A>G on transcript NM_032830.3 (MANE Select); coding-DNA position 851, A replaced by G.
Protein change: p.Gln284Arg; replaces glutamine 284 with arginine.
Molecular consequence: missense variant.
Genome position (GRCh38, 1-based): chr16:69,150,649, A>G. VCF-style: chr16-69150649-A-G. GRCh37 (hg19) VCF-style: chr16-69184552-A-G.
Other names: c.602A>G, p.Gln201Arg (NM_001318391.2); short protein forms Q201R, Q284R.
Identifiers: ClinVar variation 4998888 (VCV004998888.1).

ClinVar aggregate classification (germline): Uncertain significance (1 of 4 stars; one submission).

Conditions:
UTP4-related disorder. Also called: UTP4-related condition.

gnomAD v4.1: 1 of 1,614,216 alleles (0.000062%); highest among the groups gnomAD compares: East Asian, 0.0022%; no homozygotes.

Submission:

PreventionGenetics, part of Exact Sciences
Classification: Uncertain significance for UTP4-related condition. Last evaluated: 2025-01-14. Review status: criteria provided, single submitter. Criteria: ACMG Guidelines, 2015. Collection method: clinical testing. Allele origin: germline.
Comment: The UTP4 c.851A>G variant is predicted to result in the amino acid substitution p.Gln284Arg. To our knowledge, this variant has not been reported in the literature. This variant is reported in 0.0054% of alleles in individuals of East Asian descent in gnomAD. At this time, the clinical significance of this variant is uncertain due to the absence of conclusive functional and genetic evidence.